The following is an entry in ClinVar:

ClinVar aggregate classification (germline): Benign. Review status: criteria provided, multiple submitters, no conflicts (2 of 4 stars). 14 submissions from 14 submitters: Benign (10). 4 of the submissions do not count toward it. Last evaluated 2026-02-04.

Conditions:
Polyglandular autoimmune syndrome, type 1 (APS1). Also called: Autoimmune polyendocrinopathy syndrome, type I; Autoimmune polyendocrine syndrome type 1; Autoimmune polyendocrinopathy syndrome , type I, with or without reversible metaphyseal dysplasia; AUTOIMMUNE POLYENDOCRINE SYNDROME, TYPE I, WITH OR WITHOUT REVERSIBLE METAPHYSEAL DYSPLASIA; HYPOADRENOCORTICISM WITH HYPOPARATHYROIDISM AND SUPERFICIAL MONILIASIS; PGA I. Identifiers: Orphanet 3453, MedGen C0085859, MONDO:0009411, OMIM 240300.

Allele frequency attached by ClinVar (database versions not stated): ESP Exome Variant Server 0.15638; TOPMed 0.17114; 1000 Genomes Project 30x 0.22689; 1000 Genomes Project 0.22823.
gnomAD v4.1: 193,019 of 1,610,112 alleles (12%); highest among the groups gnomAD compares: East Asian, 36%; 14,899 homozygotes.

Submissions (14):

Labcorp Genetics (formerly Invitae), Labcorp
Classification: Benign for Polyglandular autoimmune syndrome, type 1. Last evaluated: 2026-02-04. Review status: criteria provided, single submitter. Criteria: Invitae Variant Classification Sherloc (09022015). Collection method: clinical testing. Allele origin: germline.

Blueprint Genetics
Classification: Benign. Last evaluated: 2024-11-28. Review status: criteria provided, single submitter. Criteria: ACMG Guidelines, 2015. Collection method: clinical testing. Allele origin: germline.

Unidad de Genómica Garrahan, Hospital de Pediatría Garrahan
Classification: Benign. Last evaluated: 2023-11-12. Review status: criteria provided, single submitter. Criteria: ACMG Guidelines, 2015. Collection method: clinical testing. Allele origin: germline. Affected: no. Observed: 22 variant alleles.
Comment: This variant is classified as Benign based on local population frequency. This variant was detected in 23% of patients studied by a panel of primary immunodeficiencies. Number of patients: 22. Only high quality variants are reported.

Mayo Clinic Laboratories, Mayo Clinic
Classification: Benign. Last evaluated: 2023-08-28. Review status: criteria provided, single submitter. Criteria: ACMG Guidelines, 2015. Collection method: clinical testing. Allele origin: germline. Observed: 162 variant alleles.
Comment: BA1, BS2, BP4_strong

Genome-Nilou Lab
Classification: Benign for Polyglandular autoimmune syndrome, type 1. Last evaluated: 2021-07-10. Review status: criteria provided, single submitter. Criteria: ACMG Guidelines, 2015. Collection method: clinical testing. Allele origin: germline. Affected: no.

Athena Diagnostics
Classification: Benign. Last evaluated: 2017-10-11. Review status: criteria provided, single submitter. Criteria: Athena Diagnostics Criteria. Collection method: clinical testing. Allele origin: germline.

GeneDx
Classification: Benign. Last evaluated: 2015-03-03. Review status: criteria provided, single submitter. Criteria: GeneDx Variant Classification Process June 2021. Collection method: clinical testing. Allele origin: germline. Affected: yes.
Comment: This variant is associated with the following publications: (PMID: 21505073, 19322061, 25525159, 12542742)

Eurofins Ntd Llc (ga)
Classification: Benign. Last evaluated: 2014-10-14. Review status: criteria provided, single submitter. Criteria: EGL Classification Definitions 2015. Collection method: clinical testing. Allele origin: germline.

Breakthrough Genomics
Classification: Benign. Review status: criteria provided, single submitter. Criteria: ACMG Guidelines, 2015. Collection method: not provided. Allele origin: germline. Inheritance: Autosomal recessive inheritance. Affected: yes.

PreventionGenetics, part of Exact Sciences
Classification: Benign. Review status: criteria provided, single submitter. Criteria: ACMG Guidelines, 2015. Collection method: clinical testing. Allele origin: germline.

Natera, Inc.
Classification: Benign for Polyglandular autoimmune syndrome type 1. Last evaluated: 2020-09-16. Review status: no assertion criteria provided. Collection method: clinical testing. Allele origin: germline. Not counted in ClinVar's aggregate classification.

Genetic Services Laboratory, University of Chicago
Classification: Likely benign for AllHighlyPenetrant. Review status: no assertion criteria provided. Collection method: clinical testing. Allele origin: germline. Inheritance: Autosomal recessive inheritance. Not counted in ClinVar's aggregate classification.
Comment: Likely benign based on allele frequency in 1000 Genomes Project or ESP global frequency and its presence in a patient with a rare or unrelated disease phenotype. NOT Sanger confirmed.

Genome Diagnostics Laboratory, University Medical Center Utrecht
Classification: Likely benign. Review status: no assertion criteria provided. Collection method: clinical testing. Allele origin: germline. Affected: yes. Study: VKGL Data-share Consensus. Not counted in ClinVar's aggregate classification.

Joint Genome Diagnostic Labs from Nijmegen and Maastricht, Radboudumc and MUMC+
Classification: Benign. Review status: no assertion criteria provided. Collection method: clinical testing. Allele origin: germline. Affected: yes. Study: VKGL Data-share Consensus. Not counted in ClinVar's aggregate classification.

Literature cited by the submitters: PubMed 12542742 (cited by Mayo Clinic Laboratories, Mayo Clinic and Athena Diagnostics); PubMed 19322061 (cited by Mayo Clinic Laboratories, Mayo Clinic and Athena Diagnostics); PubMed 21505073 (cited by Mayo Clinic Laboratories, Mayo Clinic and Athena Diagnostics); PubMed 35683627 (cited by Mayo Clinic Laboratories, Mayo Clinic); PubMed 9921903 (cited by Athena Diagnostics); PubMed 9717837 (cited by Athena Diagnostics); PubMed 16792967 (cited by Athena Diagnostics); PubMed 18200029 (cited by Athena Diagnostics); PubMed 17101293 (cited by Athena Diagnostics); PubMed 16774540 (cited by Athena Diagnostics); PubMed 18682433 (cited by Athena Diagnostics); PubMed 23320549 (cited by Athena Diagnostics); PubMed 19758376 (cited by Athena Diagnostics).

NM_000383.4(AIRE):c.834C>G (p.Ser278Arg)

Gene: AIRE (autoimmune regulator; plus strand). Cytogenetic location: 21q22.3.
Variant type: single nucleotide variant.
Coding change: c.834C>G on transcript NM_000383.4 (MANE Select); coding-DNA position 834, C replaced by G.
Protein change: p.Ser278Arg; replaces serine 278 with arginine.
Molecular consequence: missense variant.
Genome position (GRCh38, 1-based): chr21:44,290,023, C>G. VCF-style: chr21-44290023-C-G. GRCh37 (hg19) VCF-style: chr21-45709906-C-G.
Other names: c.834C>G (LRG_18t1); short protein forms S278R.
Identifiers: ClinVar variation 128340 (VCV000128340.31), dbSNP rs1800520, ClinGen allele CA151738.